The following is an entry in ClinVar:

NM_000097.7(CPOX):c.625GTT[1] (p.Val210del)

Gene: CPOX (coproporphyrinogen oxidase; minus strand). Cytogenetic location: 3q11.2.
Variant type: Microsatellite.
Coding change: c.625GTT[1] on transcript NM_000097.7 (MANE Select); one copy of the 3-base unit GTT starting at c.625; the reference has two copies in a row; one copy, 3 bases deleted; also written c.628_630del.
Protein change: p.Val210del; deletes valine 210.
Molecular consequence: inframe deletion.
Genome position (GRCh38, 1-based): chr3:98,591,082-98,591,084, AAC deleted on the plus strand (GTT on the coding strand, the reverse complement: CPOX is on the minus strand); deleting any 3 consecutive bases within chr3:98,591,082-98,591,088 gives the same sequence; the position shown is the placement nearest the transcript's 3' end. VCF-style (leftmost placement, unchanged base first): chr3-98591081-GAAC-G. GRCh37 (hg19) VCF-style: chr3-98309925-GAAC-G.
Other names: c.628_630del (NM_000097.5); short protein forms V210del.
Identifiers: ClinVar variation 2003344 (VCV002003344.6), dbSNP rs1383194361, ClinGen allele CA784183898.

ClinVar aggregate classification (germline): Uncertain significance. Review status: criteria provided, multiple submitters, no conflicts (2 of 4 stars). 2 submissions from 2 submitters: Uncertain significance (2). Last evaluated 2026-10-22.

Submissions (2):

GeneDx
Classification: Uncertain significance. Last evaluated: 2026-10-22. Review status: criteria provided, single submitter. Criteria: GeneDx Variant Classification Process June 2021. Collection method: clinical testing. Allele origin: germline.
Comment: In-frame deletion of 1 amino acid(s) in a non-repeat region; Not observed at significant frequency in large population cohorts (gnomAD); In silico analysis supports a deleterious effect on protein structure/function; Has not been previously published as pathogenic or benign to our knowledge

Labcorp Genetics (formerly Invitae), Labcorp
Classification: Uncertain significance. Last evaluated: 2023-10-23. Review status: criteria provided, single submitter. Criteria: Invitae Variant Classification Sherloc (09022015). Collection method: clinical testing. Allele origin: germline.
Comment: This variant, c.628_630del, results in the deletion of 1 amino acid(s) of the CPOX protein (p.Val210del), but otherwise preserves the integrity of the reading frame. This variant is not present in population databases (gnomAD no frequency). This variant has not been reported in the literature in individuals affected with CPOX-related conditions. Experimental studies and prediction algorithms are not available or were not evaluated, and the functional significance of this variant is currently unknown. In summary, the available evidence is currently insufficient to determine the role of this variant in disease. Therefore, it has been classified as a Variant of Uncertain Significance.